The following is an entry in ClinVar:

ClinVar aggregate classification (germline): Conflicting classifications of pathogenicity. Review status: criteria provided, conflicting classifications (1 of 4 stars). 5 submissions from 5 submitters: Uncertain significance (3); Benign (1); Likely benign (1). Last evaluated 2026-01-27.

Conditions:
Immunodeficiency, common variable, 12 (CVID12). Also called: IMMUNODEFICIENCY, COMMON VARIABLE, 12, WITH AUTOIMMUNITY; NFKB1 DEFICIENCY. Identifiers: Orphanet 1572, Orphanet 696874, MedGen C4225277, MONDO:0014697, OMIM 616576.

Allele frequency attached by ClinVar (database versions not stated): gnomAD exomes 0.00010 and 0.00018; gnomAD 0.00015; ExAC 0.00016; TOPMed 0.00016; ESP Exome Variant Server 0.00031.
gnomAD v4.1: 176 of 1,612,620 alleles (0.011%); highest among the groups gnomAD compares: African/African-American, 0.004%; no homozygotes.

Submissions (6):

Labcorp Genetics (formerly Invitae), Labcorp
Classification: Benign. Last evaluated: 2026-01-27. Review status: criteria provided, single submitter. Criteria: Invitae Variant Classification Sherloc (09022015). Collection method: clinical testing. Allele origin: germline.

GeneDx
Classification: Uncertain significance. Last evaluated: 2025-02-11. Review status: criteria provided, single submitter. Criteria: GeneDx Variant Classification Process June 2021. Collection method: clinical testing. Allele origin: germline. Affected: yes.
Comment: Reported in the published literature; however, detailed clinical information was not provided (PMID: 32278790, 39672378); In silico analysis indicates that this missense variant does not alter protein structure/function; This variant is associated with the following publications: (PMID: 39125957, 30693132, 20671522, 28823510, 36105815, 31020811, 32278790, 39672378)

Blueprint Genetics
Classification: Likely benign. Last evaluated: 2024-11-11. Review status: criteria provided, single submitter. Criteria: ACMG Guidelines, 2015. Collection method: clinical testing. Allele origin: germline.

CeGaT Center for Human Genetics Tuebingen
Classification: Uncertain significance. Last evaluated: 2022-07-01. Review status: criteria provided, single submitter. Criteria: CeGaT Center For Human Genetics Tuebingen Variant Classification Criteria Version 2. Collection method: clinical testing. Allele origin: germline. Affected: yes. Observed: 1 variant allele.

Revvity Omics, Revvity
Classification: Uncertain significance for Immunodeficiency, common variable, 12. Last evaluated: 2021-03-12. Review status: criteria provided, single submitter. Criteria: ACMG Guidelines, 2015. Collection method: clinical testing. Allele origin: germline.

Dr. Peter K. Rogan Lab, Western University
No classification provided (evidence only). Condition: Squamous cell lung carcinoma. Review status: no classification provided. Collection method: in vitro. Allele origin: not applicable. Functional consequence: retained intron. Not counted in ClinVar's aggregate classification.

NM_003998.4(NFKB1):c.1004G>A (p.Arg335Gln)

Gene: NFKB1 (nuclear factor kappa B subunit 1; plus strand). Cytogenetic location: 4q24.
Variant type: single nucleotide variant.
Coding change: c.1004G>A on transcript NM_003998.4 (MANE Select); coding-DNA position 1004, G replaced by A.
Protein change: p.Arg335Gln; replaces arginine 335 with glutamine.
Molecular consequence: missense variant.
Genome position (GRCh38, 1-based): chr4:102,584,758, G>A. VCF-style: chr4-102584758-G-A. GRCh37 (hg19) VCF-style: chr4-103505915-G-A.
Other names: c.1004G>A (NM_003998.3); c.1001G>A, p.Arg334Gln (NM_001165412.2, NM_001319226.2, NM_001382627.1); c.1004G>A, p.Arg335Gln (NM_001382625.1, NM_001382626.1); c.962G>A, p.Arg321Gln (NM_001382628.1); short protein forms R321Q, R334Q, R335Q.
Identifiers: ClinVar variation 1168185 (VCV001168185.37), dbSNP rs143817570, ClinGen allele CA3026037.